The following is an entry in ClinVar:

ClinVar aggregate classification (germline): Uncertain significance (1 of 4 stars; one submission).

gnomAD v4.1: 2 of 1,614,138 alleles (0.00012%); highest among the groups gnomAD compares: South Asian, 0.0011%; no homozygotes.

Submission:

Labcorp Genetics (formerly Invitae), Labcorp
Classification: Uncertain significance. Last evaluated: 2022-12-24. Review status: criteria provided, single submitter. Criteria: Invitae Variant Classification Sherloc (09022015). Collection method: clinical testing. Allele origin: germline.
Comment: This sequence change replaces valine, which is neutral and non-polar, with alanine, which is neutral and non-polar, at codon 398 of the MMP9 protein (p.Val398Ala). This variant is not present in population databases (gnomAD no frequency). This variant has not been reported in the literature in individuals affected with MMP9-related conditions. Advanced modeling of protein sequence and biophysical properties (such as structural, functional, and spatial information, amino acid conservation, physicochemical variation, residue mobility, and thermodynamic stability) performed at Invitae indicates that this missense variant is not expected to disrupt MMP9 protein function. In summary, the available evidence is currently insufficient to determine the role of this variant in disease. Therefore, it has been classified as a Variant of Uncertain Significance.

NM_004994.3(MMP9):c.1193T>C (p.Val398Ala)

Gene: MMP9 (matrix metallopeptidase 9; plus strand). Cytogenetic location: 20q13.12.
Variant type: single nucleotide variant.
Coding change: c.1193T>C on transcript NM_004994.3 (MANE Select); coding-DNA position 1193, T replaced by C.
Protein change: p.Val398Ala; replaces valine 398 with alanine.
Molecular consequence: missense variant.
Genome position (GRCh38, 1-based): chr20:46,012,445, T>C. VCF-style: chr20-46012445-T-C. GRCh37 (hg19) VCF-style: chr20-44641084-T-C.
Other names: short protein forms V398A.
Identifiers: ClinVar variation 3019424 (VCV003019424.3), dbSNP rs765298650, ClinGen allele CA409218152.